The following is an entry in ClinVar:

NM_001034116.2(EIF2B4):c.658A>G (p.Ser220Gly)

Gene: EIF2B4 (eukaryotic translation initiation factor 2B subunit delta; minus strand). Cytogenetic location: 2p23.3.
Variant type: single nucleotide variant.
Coding change: c.658A>G on transcript NM_001034116.2 (MANE Select); coding-DNA position 658, A replaced by G.
Protein change: p.Ser220Gly; replaces serine 220 with glycine.
Molecular consequence: missense variant.
Genome position (GRCh38, 1-based): chr2:27,368,072, T>C on the plus strand (A>G on the coding strand, the complement: EIF2B4 is on the minus strand). VCF-style: chr2-27368072-T-C. GRCh37 (hg19) VCF-style: chr2-27590939-T-C.
Other names: c.721A>G, p.Ser241Gly (NM_001318965.2); c.613A>G, p.Ser205Gly (NM_001318966.2); c.565A>G, p.Ser189Gly (NM_001318967.2); c.73A>G, p.Ser25Gly (NM_001318968.2); c.40A>G, p.Ser14Gly (NM_001318969.2); c.655A>G, p.Ser219Gly (NM_015636.4); c.718A>G, p.Ser240Gly (NM_172195.4); short protein forms S189G, S205G, S220G, S240G, S25G, S14G, S219G, S241G.
Identifiers: ClinVar variation 2823232 (VCV002823232.2), dbSNP rs2465514703, ClinGen allele CA346200256.
Genomic context (GRCh38, chr2:27,368,072, plus strand): 5'-GGATGGGACATACCTGCTGCAAGGCACGAAGCAGGGCAATACACCGGGCATTGGAGCCAC[T>C]GACCAGGCCCTGGGAGTACTGCAGGCCGAGTCGCACCATGGCTGGGTGGATCACAGAGGA-3'
Protein context (NP_001029288.1, residues 210-230): LGLQYSQGLV[Ser220Gly]GSNARCIALL

ClinVar aggregate classification (germline): Uncertain significance (1 of 4 stars; one submission).

Allele frequency attached by ClinVar (database versions not stated): gnomAD exomes below 0.00001.

Submission:

Labcorp Genetics (formerly Invitae), Labcorp
Classification: Uncertain significance. Last evaluated: 2024-01-06. Review status: criteria provided, single submitter. Criteria: Invitae Variant Classification Sherloc (09022015). Collection method: clinical testing. Allele origin: germline.
Comment: This sequence change replaces serine, which is neutral and polar, with glycine, which is neutral and non-polar, at codon 219 of the EIF2B4 protein (p.Ser219Gly). This variant is not present in population databases (gnomAD no frequency). This variant has not been reported in the literature in individuals affected with EIF2B4-related conditions. An algorithm developed to predict the effect of missense changes on protein structure and function (PolyPhen-2) suggests that this variant¬¨‚Ä†is likely to be tolerated. In summary, the available evidence is currently insufficient to determine the role of this variant in disease. Therefore, it has been classified as a Variant of Uncertain Significance.